The following is an entry in ClinVar:

ClinVar aggregate classification (germline): Uncertain significance. Review status: criteria provided, multiple submitters, no conflicts (2 of 4 stars). 2 submissions from 2 submitters: Uncertain significance (2). Last evaluated 2025-09-27.

Conditions:
Inborn genetic diseases. Identifiers: MedGen C0950123, MeSH D030342.
Pseudohypoaldosteronism type 2C (PHA2C). Also called: Pseudohypoaldosteronism Type IIC. Identifiers: Orphanet 757, Orphanet 88940, MedGen C1840391, MONDO:0013778, OMIM 614492.
Neuropathy, hereditary sensory and autonomic, type 2A (HSAN2A). Also called: ACROOSTEOLYSIS, GIACCAI TYPE; ACROOSTEOLYSIS, NEUROGENIC; MORVAN DISEASE; NEUROPATHY, CONGENITAL SENSORY; NEUROPATHY, HEREDITARY SENSORY RADICULAR, AUTOSOMAL RECESSIVE; NEUROPATHY, HEREDITARY SENSORY, TYPE IIA. Identifiers: Orphanet 970, MedGen C2752089, MONDO:0024309, OMIM 201300.

Allele frequency attached by ClinVar (database versions not stated): TOPMed 0.00001; ExAC 0.00002; gnomAD exomes 0.00002.
gnomAD v4.1: 35 of 1,613,854 alleles (0.0022%); highest among the groups gnomAD compares: South Asian, 0.0033%; no homozygotes.

Submissions (2):

Labcorp Genetics (formerly Invitae), Labcorp
Classification: Uncertain significance for Neuropathy, hereditary sensory and autonomic, type 2A; Pseudohypoaldosteronism type 2C. Last evaluated: 2025-09-27. Review status: criteria provided, single submitter. Criteria: Invitae Variant Classification Sherloc (09022015). Collection method: clinical testing. Allele origin: germline.
Comment: This sequence change replaces arginine, which is basic and polar, with histidine, which is basic and polar, at codon 1024 of the WNK1 protein (p.Arg1024His). This variant is present in population databases (rs772571831, gnomAD 0.006%). This variant has not been reported in the literature in individuals affected with WNK1-related conditions. ClinVar contains an entry for this variant (Variation ID: 859275). Invitae Evidence Modeling of protein sequence and biophysical properties (such as structural, functional, and spatial information, amino acid conservation, physicochemical variation, residue mobility, and thermodynamic stability) indicates that this missense variant is not expected to disrupt WNK1 protein function with a negative predictive value of 95%. In summary, the available evidence is currently insufficient to determine the role of this variant in disease. Therefore, it has been classified as a Variant of Uncertain Significance.

Ambry Genetics
Classification: Uncertain significance for Inborn genetic diseases. Last evaluated: 2021-12-17. Review status: criteria provided, single submitter. Criteria: Ambry Variant Classification Scheme 2023. Collection method: clinical testing. Allele origin: germline.
Comment: The p.R1024H variant (also known as c.3071G>A), located in coding exon 10 of the WNK1 gene, results from a G to A substitution at nucleotide position 3071. The arginine at codon 1024 is replaced by histidine, an amino acid with highly similar properties. This amino acid position is not well conserved in available vertebrate species, and histidine is the reference amino acid in other vertebrate species. In addition, this alteration is predicted to be tolerated by in silico analysis. Since supporting evidence is limited at this time, the clinical significance of this alteration remains unclear.

NM_213655.5(WNK1):c.3071G>A (p.Arg1024His)

Gene: WNK1 (WNK lysine deficient protein kinase 1; plus strand). Cytogenetic location: 12p13.33.
Variant type: single nucleotide variant.
Coding change: c.3071G>A on transcript NM_213655.5 (MANE Plus Clinical); coding-DNA position 3071, G replaced by A.
Protein change: p.Arg1024His; replaces arginine 1024 with histidine.
Molecular consequence: missense variant. On other transcripts: intron variant (2).
Genome position (GRCh38, 1-based): chr12:868,542, G>A. VCF-style: chr12-868542-G-A. GRCh37 (hg19) VCF-style: chr12-977708-G-A.
Other names: c.2816G>A, p.Arg939His (NM_001184985.2); c.2140-2723G>A (NM_018979.4, NM_014823.3); short protein forms R1024H, R939H.
Identifiers: ClinVar variation 859275 (VCV000859275.11), dbSNP rs772571831, ClinGen allele CA6382297.